The following is an entry in ClinVar:

NM_001368397.1(FRMPD4):c.2638T>A (p.Ser880Thr)

Gene: FRMPD4 (FERM and PDZ domain containing 4; plus strand). Cytogenetic location: Xp22.2.
Variant type: single nucleotide variant.
Coding change: c.2638T>A on transcript NM_001368397.1 (MANE Select); coding-DNA position 2638, T replaced by A.
Protein change: p.Ser880Thr; replaces serine 880 with threonine.
Molecular consequence: missense variant.
Genome position (GRCh38, 1-based): chrX:12,717,097, T>A. VCF-style: chrX-12717097-T-A. GRCh37 (hg19) VCF-style: chrX-12735216-T-A.
Other names: c.2614T>A, p.Ser872Thr (NM_001368401.1, NM_001368402.3); c.2638T>A, p.Ser880Thr (NM_014728.3); c.2749T>A, p.Ser917Thr (NM_001368395.3, NM_001368398.3); c.2644T>A, p.Ser882Thr (NM_001368396.3); c.2629T>A, p.Ser877Thr (NM_001368399.3); c.2518T>A, p.Ser840Thr (NM_001368400.3); short protein forms S877T, S882T, S872T, S880T, S917T, S840T.
Identifiers: ClinVar variation 3722897 (VCV003722897.2).

ClinVar aggregate classification (germline): Uncertain significance (1 of 4 stars; one submission).

Submission:

Labcorp Genetics (formerly Invitae), Labcorp
Classification: Uncertain significance. Last evaluated: 2024-10-15. Review status: criteria provided, single submitter. Criteria: Invitae Variant Classification Sherloc (09022015). Collection method: clinical testing. Allele origin: germline.
Comment: This sequence change replaces serine, which is neutral and polar, with threonine, which is neutral and polar, at codon 880 of the FRMPD4 protein (p.Ser880Thr). This variant is not present in population databases (gnomAD no frequency). This variant has not been reported in the literature in individuals affected with FRMPD4-related conditions. An algorithm developed to predict the effect of missense changes on protein structure and function (PolyPhen-2) suggests that this variant is likely to be tolerated. In summary, the available evidence is currently insufficient to determine the role of this variant in disease. Therefore, it has been classified as a Variant of Uncertain Significance.